The following is an entry in ClinVar:

ClinVar aggregate classification (germline): Benign/Likely benign. Review status: criteria provided, multiple submitters, no conflicts (2 of 4 stars). 5 submissions from 5 submitters: Benign (1); Likely benign (3). 1 of the submissions does not count toward it. Last evaluated 2024-04-04.

Conditions:
Familial adenomatous polyposis 1 (FAP1). Also called: POLYPOSIS, ADENOMATOUS INTESTINAL; FAMILIAL ADENOMATOUS POLYPOSIS 1, ATTENUATED. Identifiers: MedGen C2713442, MONDO:0021056, OMIM 175100. Disease mechanism: loss of function.
APC-related disorder. Also called: APC-related condition.
Hereditary cancer-predisposing syndrome. Also called: Tumor predisposition; Neoplastic Syndromes, Hereditary; Hereditary Cancer Syndrome; Hereditary neoplastic syndrome. Identifiers: Orphanet 140162, MedGen C0027672, MeSH D009386, MONDO:0015356.

Submissions (5):

Myriad Genetics, Inc.
Classification: Benign for Familial adenomatous polyposis 1. Last evaluated: 2024-04-04. Review status: criteria provided, single submitter. Criteria: Myriad Autosomal Dominant, Autosomal Recessive and X-Linked Classification Criteria (2023). Collection method: clinical testing. Allele origin: unknown.
Comment: This variant is considered benign. This variant is a silent/synonymous amino acid change and it is not expected to impact splicing.

Labcorp Genetics (formerly Invitae), Labcorp
Classification: Likely benign for Familial adenomatous polyposis 1. Last evaluated: 2021-04-23. Review status: criteria provided, single submitter. Criteria: Invitae Variant Classification Sherloc (09022015). Collection method: clinical testing. Allele origin: germline.

Color Diagnostics, LLC DBA Color Health
Classification: Likely benign for Hereditary cancer-predisposing syndrome. Last evaluated: 2020-06-22. Review status: criteria provided, single submitter. Criteria: ACMG Guidelines, 2015. Collection method: clinical testing. Allele origin: germline.

Ambry Genetics
Classification: Likely benign for Hereditary cancer-predisposing syndrome. Last evaluated: 2019-09-09. Review status: criteria provided, single submitter. Criteria: Ambry Variant Classification Scheme 2023. Collection method: clinical testing. Allele origin: germline.

PreventionGenetics, part of Exact Sciences
Classification: Likely benign for APC-related condition. Last evaluated: 2023-09-15. Review status: no assertion criteria provided. Collection method: clinical testing. Allele origin: germline. Not counted in ClinVar's aggregate classification.
Comment: This variant is classified as likely benign based on ACMG/AMP sequence variant interpretation guidelines (Richards et al. 2015 PMID: 25741868, with internal and published modifications).

NM_000038.6(APC):c.6273T>G (p.Gly2091=)

Gene: APC (APC regulator of Wnt signaling pathway; plus strand). Cytogenetic location: 5q22.2.
Variant type: single nucleotide variant.
Coding change: c.6273T>G on transcript NM_000038.6 (MANE Select); coding-DNA position 6273, T replaced by G.
Protein change: p.Gly2091=; no amino-acid change (glycine 2091 retained).
Molecular consequence: synonymous variant.
Genome position (GRCh38, 1-based): chr5:112,841,867, T>G. VCF-style: chr5-112841867-T-G. GRCh37 (hg19) VCF-style: chr5-112177564-T-G.
Other names: c.6273T>G, p.Gly2091= (NM_001127510.3, NM_001354895.2); c.6219T>G, p.Gly2073= (NM_001127511.3); c.6327T>G, p.Gly2109= (NM_001354896.2); c.6303T>G, p.Gly2101= (NM_001354897.2); c.6198T>G, p.Gly2066= (NM_001354898.2); c.6189T>G, p.Gly2063= (NM_001354899.2); c.6150T>G, p.Gly2050= (NM_001354900.2); c.6096T>G, p.Gly2032= (NM_001354901.2); and 5 more.
Identifiers: ClinVar variation 1158962 (VCV001158962.17), dbSNP rs368356944, ClinGen allele CA446209499.